The following is an entry in ClinVar:

ClinVar aggregate classification (germline): Uncertain significance (1 of 4 stars; one submission).

Conditions:
Inborn genetic diseases. Identifiers: MedGen C0950123, MeSH D030342.

Allele frequency attached by ClinVar (database versions not stated): gnomAD 0.00001.
gnomAD v4.1: 1 of 1,613,918 alleles (0.000062%); highest among the groups gnomAD compares: African/African-American, 0.0013%; no homozygotes.

Submission:

Ambry Genetics
Classification: Uncertain significance for Inborn genetic diseases. Last evaluated: 2025-12-22. Review status: criteria provided, single submitter. Criteria: Ambry Variant Classification Scheme 2023. Collection method: clinical testing. Allele origin: germline.
Comment: The p.T718P variant (also known as c.2152A>C), located in coding exon 17 of the BUB1B gene, results from an A to C substitution at nucleotide position 2152. The threonine at codon 718 is replaced by proline, an amino acid with highly similar properties. This amino acid position is conserved. In addition, this alteration is predicted to be tolerated by in silico analysis. Since supporting evidence is limited at this time, the clinical significance of this alteration remains unclear.

NM_001211.6(BUB1B):c.2152A>C (p.Thr718Pro)

Gene: BUB1B (BUB1 mitotic checkpoint serine/threonine kinase B; plus strand). Cytogenetic location: 15q15.1.
Variant type: single nucleotide variant.
Coding change: c.2152A>C on transcript NM_001211.6 (MANE Select); coding-DNA position 2152, A replaced by C.
Protein change: p.Thr718Pro; replaces threonine 718 with proline.
Molecular consequence: missense variant.
Genome position (GRCh38, 1-based): chr15:40,209,643, A>C. VCF-style: chr15-40209643-A-C. GRCh37 (hg19) VCF-style: chr15-40501844-A-C.
Other names: short protein forms T718P.
Identifiers: ClinVar variation 1786770 (VCV001786770.4), dbSNP rs1472033228, ClinGen allele CA391694122.